The following is an entry in ClinVar:

NM_000518.4(HBB):c.283G>A (p.Asp95Asn)

Genes: HBB (hemoglobin subunit beta; minus strand), LOC106099062 (HBB recombination region; plus strand), LOC107133510 (origin of replication at HBB; plus strand). Cytogenetic location: 11p15.4.
Variant type: single nucleotide variant.
Coding change: c.283G>A on transcript NM_000518.4; coding-DNA position 283, G replaced by A.
Protein change: p.Asp95Asn; replaces aspartic acid 95 with asparagine.
Molecular consequence: missense variant (on NM_000518.5).
Genome position (GRCh38, 1-based): chr11:5,226,609, C>T on the plus strand (G>A on the coding strand, the complement: HBB is on the minus strand). VCF-style: chr11-5226609-C-T. GRCh37 (hg19) VCF-style: chr11-5247839-C-T.
Other names: D94N; c.283G>A, p.Asp95Asn (NM_000518.5); short protein forms D95N.
Identifiers: ClinVar variation 15123 (VCV000015123.6), dbSNP rs33959340, ClinGen allele CA124774.

ClinVar aggregate classification (germline): Uncertain significance. Review status: criteria provided, multiple submitters, no conflicts (2 of 4 stars). 3 submissions from 3 submitters: Uncertain significance (2). 1 of the submissions does not count toward it. Last evaluated 2021-12-13.

Conditions:
HEMOGLOBIN BUNBURY.

Allele frequency attached by ClinVar (database versions not stated): TOPMed below 0.00001.

Submissions (3):

Women's Health and Genetics/Laboratory Corporation of America, LabCorp
Classification: Uncertain significance. Last evaluated: 2021-12-13. Review status: criteria provided, single submitter. Criteria: LabCorp Variant Classification Summary - May 2015. Collection method: clinical testing. Allele origin: germline.
Comment: Variant summary: HBB c.283G>A (p.Asp95Asn) results in a conservative amino acid change in the encoded protein sequence. Three of five in-silico tools predict a benign effect of the variant on protein function. The variant was absent in 251420 control chromosomes (gnomAD). The available data on variant occurrences in the general population are insufficient to allow any conclusion about variant significance. The variant, c.283G>A (aka Hb Bunbury), is a known high oxygen affinity hemoglobin variant, and is reported in several asymptomatic heterozygotes, with or without compensatory erythrocytosis (Como_1983, Li_1990, Ballas_1992, Walker_2007, Oliveira_2018). To our knowledge, no homozygous occurrences or compound heterozygosity with pathogenic HBB variants were reported, therefore no clear conclusions about association of the variant with Hemoglobinopathy can be made. Publications reported experimental evidence evaluating an impact on protein function, and demonstrated that the variant doesn't affect stability, however results in an increase in oxygen affinity, a moderate decrease in cooperativity and a reduced Bohr effect (Como_1983, Ballas_1992, Walker_2007). One clinical diagnostic laboratory has submitted clinical-significance assessments for this variant to ClinVar after 2014 without evidence for independent evaluation, and classified the variant as uncertain significance. Based on the evidence outlined above, the variant was classified as uncertain significance.

Quest Diagnostics Nichols Institute San Juan Capistrano
Classification: Uncertain significance. Last evaluated: 2018-10-31. Review status: criteria provided, single submitter. Criteria: Quest Diagnostics criteria. Collection method: clinical testing. Allele origin: germline.

OMIM
Classification: other for HEMOGLOBIN BUNBURY. Last evaluated: 2017-12-12. Review status: no assertion criteria provided. Collection method: literature only. Allele origin: germline. Not counted in ClinVar's aggregate classification.

Literature cited by the submitters: PubMed 1517105 (cited by Women's Health and Genetics/Laboratory Corporation of America, LabCorp and Quest Diagnostics Nichols Institute San Juan Capistrano); PubMed 6629823 (cited by 3 submitters); PubMed 2265836 (cited by Women's Health and Genetics/Laboratory Corporation of America, LabCorp and Quest Diagnostics Nichols Institute San Juan Capistrano); PubMed 29790589 (cited by Women's Health and Genetics/Laboratory Corporation of America, LabCorp); PubMed 33840141 (cited by Women's Health and Genetics/Laboratory Corporation of America, LabCorp); PubMed 17365011 (cited by Women's Health and Genetics/Laboratory Corporation of America, LabCorp and Quest Diagnostics Nichols Institute San Juan Capistrano); PubMed 15921161 (cited by Quest Diagnostics Nichols Institute San Juan Capistrano); PubMed 19429541 (cited by Quest Diagnostics Nichols Institute San Juan Capistrano).